The following is an entry in ClinVar:

ClinVar aggregate classification (germline): Conflicting classifications of pathogenicity. Review status: criteria provided, conflicting classifications (1 of 4 stars). 4 submissions from 4 submitters: Uncertain significance (2); Likely benign (2). Last evaluated 2025-10-20.

Conditions:
Familial thoracic aortic aneurysm and aortic dissection (TAAD). Also called: Thoracic aortic aneurysms and dissections. Identifiers: Orphanet 91387, MedGen C4707243, MONDO:0019625.
Congenital contractural arachnodactyly (CCA). Also called: Arthrogryposis, distal, type 9; BEALS SYNDROME; Beals-Hecht syndrome. Identifiers: Orphanet 115, MedGen C0220668, MONDO:0007363, OMIM 121050.

Allele frequency attached by ClinVar (database versions not stated): gnomAD 0.00002; gnomAD exomes 0.00003; TOPMed 0.00003; ExAC 0.00006.
gnomAD v4.1: 46 of 1,613,714 alleles (0.0029%); highest among the groups gnomAD compares: African/African-American, 0.0053%; no homozygotes.

Submissions (4):

Labcorp Genetics (formerly Invitae), Labcorp
Classification: Likely benign for Congenital contractural arachnodactyly. Last evaluated: 2025-10-20. Review status: criteria provided, single submitter. Criteria: Invitae Variant Classification Sherloc (09022015). Collection method: clinical testing. Allele origin: germline.

CeGaT Center for Human Genetics Tuebingen
Classification: Likely benign. Last evaluated: 2025-05-01. Review status: criteria provided, single submitter. Criteria: CeGaT Center For Human Genetics Tuebingen Variant Classification Criteria Version 2. Collection method: clinical testing. Allele origin: germline. Affected: yes. Observed: 3 variant alleles.
Comment: FBN2: PP3, BS2

GeneDx
Classification: Uncertain significance. Last evaluated: 2023-10-19. Review status: criteria provided, single submitter. Criteria: GeneDx Variant Classification Process June 2021. Collection method: clinical testing. Allele origin: germline. Affected: yes.
Comment: In silico analysis supports that this missense variant has a deleterious effect on protein structure/function; Although located in a calcium-binding EGF-like domain of the FBN2 gene, it does not substitute or introduce a cysteine residue (PMID: 19006240, 18767143); This variant is associated with the following publications: (PMID: 19006240, 18767143, 33927143)

Ambry Genetics
Classification: Uncertain significance for Familial thoracic aortic aneurysm and aortic dissection. Last evaluated: 2023-07-17. Review status: criteria provided, single submitter. Criteria: Ambry Variant Classification Scheme 2023. Collection method: clinical testing. Allele origin: germline.
Comment: The p.P1135L variant (also known as c.3404C>T), located in coding exon 26 of the FBN2 gene, results from a C to T substitution at nucleotide position 3404. The proline at codon 1135 is replaced by leucine, an amino acid with similar properties. This amino acid position is highly conserved in available vertebrate species. In addition, the in silico prediction for this alteration is inconclusive. Since supporting evidence is limited at this time, the clinical significance of this alteration remains unclear.

NM_001999.4(FBN2):c.3404C>T (p.Pro1135Leu)

Gene: FBN2 (fibrillin 2; minus strand). Cytogenetic location: 5q23.3.
Variant type: single nucleotide variant.
Coding change: c.3404C>T on transcript NM_001999.4 (MANE Select); coding-DNA position 3404, C replaced by T.
Protein change: p.Pro1135Leu; replaces proline 1135 with leucine.
Molecular consequence: missense variant.
Genome position (GRCh38, 1-based): chr5:128,339,001, G>A on the plus strand (C>T on the coding strand, the complement: FBN2 is on the minus strand). VCF-style: chr5-128339001-G-A. GRCh37 (hg19) VCF-style: chr5-127674693-G-A.
Other names: short protein forms P1135L.
Identifiers: ClinVar variation 411819 (VCV000411819.38), dbSNP rs772041342, ClinGen allele CA3395247.
Genomic context (GRCh38, chr5:128,339,001, plus strand): 5'-TTCTTCATCATCATGAAGCCACTTTCATAGCCTTCGAAGCACTCGCACTCAAAGCTGCCC[G>A]GTGTATTGACGCAGATTCCACTGCCACAGAGGTCAGGAGAAATCCTGCACTCGTCGATGT-3'
Protein context (NP_001990.2, residues 1125-1145): LCGSGICVNT[Pro1135Leu]GSFECECFEG